The following is an entry in ClinVar:

NM_014232.3(VAMP2):c.124-1G>C

Gene: VAMP2 (vesicle associated membrane protein 2; minus strand). Cytogenetic location: 17p13.1.
Variant type: single nucleotide variant.
Coding change: c.124-1G>C on transcript NM_014232.3 (MANE Select); the canonical splice acceptor site of the intron before coding-DNA position 124, G replaced by C.
Molecular consequence: splice acceptor variant.
Genome position (GRCh38, 1-based): chr17:8,161,767, C>G on the plus strand (G>C on the coding strand, the complement: VAMP2 is on the minus strand). VCF-style: chr17-8161767-C-G. GRCh37 (hg19) VCF-style: chr17-8065085-C-G.
Other names: c.130-1G>C (NM_001330125.1).
Identifiers: ClinVar variation 1433504 (VCV001433504.8), dbSNP rs2151865372, ClinGen allele CA397966083.

ClinVar aggregate classification (germline): Uncertain significance (1 of 4 stars; one submission).

Submission:

Labcorp Genetics (formerly Invitae), Labcorp
Classification: Uncertain significance. Last evaluated: 2022-07-28. Review status: criteria provided, single submitter. Criteria: Invitae Variant Classification Sherloc (09022015). Collection method: clinical testing. Allele origin: germline.
Comment: This variant has not been reported in the literature in individuals affected with VAMP2-related conditions. This variant is not present in population databases (gnomAD no frequency). This sequence change affects an acceptor splice site in intron 2 of the VAMP2 gene. It is expected to disrupt RNA splicing. Variants that disrupt the donor or acceptor splice site typically lead to a loss of protein function (PMID: 16199547), however the current clinical and genetic evidence is not sufficient to establish whether loss-of-function variants in VAMP2 cause disease. ClinVar contains an entry for this variant (Variation ID: 1433504). In summary, the available evidence is currently insufficient to determine the role of this variant in disease. Therefore, it has been classified as a Variant of Uncertain Significance. Algorithms developed to predict the effect of sequence changes on RNA splicing suggest that this variant may disrupt the consensus splice site.

Literature cited by the submitters: PubMed 16199547.